The following is an entry in ClinVar:

NM_001005361.3(DNM2):c.881C>T (p.Pro294Leu)

Gene: DNM2 (dynamin 2; plus strand). Cytogenetic location: 19p13.2.
Variant type: single nucleotide variant.
Coding change: c.881C>T on transcript NM_001005361.3 (MANE Select); coding-DNA position 881, C replaced by T.
Protein change: p.Pro294Leu; replaces proline 294 with leucine.
Molecular consequence: missense variant.
Genome position (GRCh38, 1-based): chr19:10,786,595, C>T. VCF-style: chr19-10786595-C-T. GRCh37 (hg19) VCF-style: chr19-10897271-C-T.
Other names: c.881C>T, p.Pro294Leu (NM_001005360.3, NM_001005362.3, NM_001190716.2 and 1 more transcripts); short protein forms P294L.
Identifiers: ClinVar variation 1425723 (VCV001425723.6), dbSNP rs774185418, ClinGen allele CA9200921.

ClinVar aggregate classification (germline): Uncertain significance (1 of 4 stars; one submission).

Conditions:
Charcot-Marie-Tooth disease dominant intermediate B (CMTDIB). Also called: CHARCOT-MARIE-TOOTH NEUROPATHY, DOMINANT INTERMEDIATE B; Charcot-Marie-Tooth disease dominant intermediate 1; CMT DI1; Charcot-Marie-Tooth disease dominant intermediate I. Identifiers: Orphanet 100044, Orphanet 228179, MedGen C1847902, MONDO:0011674, OMIM 606482.

Allele frequency attached by ClinVar (database versions not stated): TOPMed below 0.00001; gnomAD 0.00001; gnomAD exomes 0.00001; ExAC 0.00002.
gnomAD v4.1: 23 of 1,614,028 alleles (0.0014%); highest among the groups gnomAD compares: East Asian, 0.0067%; no homozygotes.

Submission:

Labcorp Genetics (formerly Invitae), Labcorp
Classification: Uncertain significance for Charcot-Marie-Tooth disease dominant intermediate B. Last evaluated: 2023-09-20. Review status: criteria provided, single submitter. Criteria: Invitae Variant Classification Sherloc (09022015). Collection method: clinical testing. Allele origin: germline.
Comment: ClinVar contains an entry for this variant (Variation ID: 1425723). This missense change has been observed in individual(s) with clinical features of DNM2-related conditions (PMID: 34837441). This variant is present in population databases (rs774185418, gnomAD 0.002%). This sequence change replaces proline, which is neutral and non-polar, with leucine, which is neutral and non-polar, at codon 294 of the DNM2 protein (p.Pro294Leu). In summary, the available evidence is currently insufficient to determine the role of this variant in disease. Therefore, it has been classified as a Variant of Uncertain Significance. Experimental studies have shown that this missense change does not substantially affect DNM2 function (PMID: 34837441). Advanced modeling of protein sequence and biophysical properties (such as structural, functional, and spatial information, amino acid conservation, physicochemical variation, residue mobility, and thermodynamic stability) has been performed at Invitae for this missense variant, however the output from this modeling did not meet the statistical confidence thresholds required to predict the impact of this variant on DNM2 protein function.

Literature cited by the submitters: PubMed 34837441.